The following is an entry in ClinVar:

ClinVar aggregate classification (germline): Likely benign (0 of 4 stars; one submission).

Conditions:
GIPC3-related disorder. Also called: GIPC3-related condition.

Allele frequency attached by ClinVar (database versions not stated): gnomAD exomes below 0.00001.

Submission:

PreventionGenetics, part of Exact Sciences
Classification: Likely benign for GIPC3-related condition. Last evaluated: 2021-11-11. Review status: no assertion criteria provided. Collection method: clinical testing. Allele origin: germline.
Comment: This variant is classified as likely benign based on ACMG/AMP sequence variant interpretation guidelines (Richards et al. 2015 PMID: 25741868, with internal and published modifications).

NM_133261.3(GIPC3):c.706-8G>T

Gene: GIPC3 (GIPC PDZ domain containing family member 3; plus strand). Cytogenetic location: 19p13.3.
Variant type: single nucleotide variant.
Coding change: c.706-8G>T on transcript NM_133261.3 (MANE Select); 8 bases into the intron before coding-DNA position 706, G replaced by T.
Molecular consequence: intron variant.
Genome position (GRCh38, 1-based): chr19:3,589,823, G>T. VCF-style: chr19-3589823-G-T. GRCh37 (hg19) VCF-style: chr19-3589821-G-T.
Other names: c.706-8G>T (NM_001411144.1).
Identifiers: ClinVar variation 3036728 (VCV003036728.2), dbSNP rs2032446666, ClinGen allele CA2318942840.